The following is an entry in ClinVar:

ClinVar aggregate classification (germline): Uncertain significance (1 of 4 stars; one submission).

Allele frequency attached by ClinVar (database versions not stated): gnomAD exomes 0.00001; ExAC 0.00002; gnomAD 0.00003; TOPMed 0.00004; 1000 Genomes Project 30x 0.00016.
gnomAD v4.1: 20 of 1,614,134 alleles (0.0012%); highest among the groups gnomAD compares: African/African-American, 0.0053%; no homozygotes.

Submission:

Labcorp Genetics (formerly Invitae), Labcorp
Classification: Uncertain significance. Last evaluated: 2022-05-10. Review status: criteria provided, single submitter. Criteria: Invitae Variant Classification Sherloc (09022015). Collection method: clinical testing. Allele origin: germline.
Comment: In summary, the available evidence is currently insufficient to determine the role of this variant in disease. Therefore, it has been classified as a Variant of Uncertain Significance. Algorithms developed to predict the effect of missense changes on protein structure and function are either unavailable or do not agree on the potential impact of this missense change (SIFT: "Deleterious"; PolyPhen-2: "Benign"; Align-GVGD: "Class C0"). This variant has not been reported in the literature in individuals affected with RPL23-related conditions. This variant is present in population databases (rs751328610, gnomAD 0.007%). This sequence change replaces asparagine, which is neutral and polar, with serine, which is neutral and polar, at codon 27 of the RPL23 protein (p.Asn27Ser).

NM_000978.4(RPL23):c.80A>G (p.Asn27Ser)

Genes: RPL23 (ribosomal protein L23; minus strand), LOC126862551 (P300/CBP strongly-dependent group 1 enhancer GRCh37_chr17:37008921-37010120; plus strand). Cytogenetic location: 17q12.
Variant type: single nucleotide variant.
Coding change: c.80A>G on transcript NM_000978.4 (MANE Select); coding-DNA position 80, A replaced by G.
Protein change: p.Asn27Ser; replaces asparagine 27 with serine.
Molecular consequence: missense variant.
Genome position (GRCh38, 1-based): chr17:38,853,039, T>C on the plus strand (A>G on the coding strand, the complement: RPL23 is on the minus strand). VCF-style: chr17-38853039-T-C. GRCh37 (hg19) VCF-style: chr17-37009292-T-C.
Other names: short protein forms N27S.
Identifiers: ClinVar variation 2175970 (VCV002175970.4), dbSNP rs751328610, ClinGen allele CA8526611.